The following is an entry in ClinVar:

ClinVar aggregate classification (germline): Conflicting classifications of pathogenicity. Review status: criteria provided, conflicting classifications (1 of 4 stars). 3 submissions from 3 submitters: Uncertain significance (2); Likely benign (1). Last evaluated 2026-04-06.

Conditions:
TRIM32-related disorder. Also called: TRIM32-related condition.
Bardet-Biedl syndrome (BBS). Identifiers: Orphanet 110, MedGen C0752166, MONDO:0015229.

Allele frequency attached by ClinVar (database versions not stated): TOPMed 0.00002; gnomAD exomes 0.00006 and 0.00021; ExAC 0.00011; gnomAD 0.00012; 1000 Genomes Project 30x 0.00016; 1000 Genomes Project 0.00020.
gnomAD v4.1: 111 of 1,613,924 alleles (0.0069%); highest among the groups gnomAD compares: Admixed American, 0.005%; no homozygotes.

Submissions (3):

PreventionGenetics, part of Exact Sciences
Classification: Likely benign for TRIM32-related condition. Last evaluated: 2026-04-06. Review status: criteria provided, single submitter. Criteria: ACMG Guidelines, 2015. Collection method: clinical testing. Allele origin: germline.
Comment: This variant is classified as likely benign based on ACMG/AMP sequence variant interpretation guidelines (Richards et al. 2015 PMID: 25741868, with internal and published modifications).

Labcorp Genetics (formerly Invitae), Labcorp
Classification: Uncertain significance for Bardet-Biedl syndrome. Last evaluated: 2026-01-12. Review status: criteria provided, single submitter. Criteria: Invitae Variant Classification Sherloc (09022015). Collection method: clinical testing. Allele origin: germline.
Comment: This sequence change replaces arginine, which is basic and polar, with tryptophan, which is neutral and slightly polar, at codon 105 of the TRIM32 protein (p.Arg105Trp). This variant is present in population databases (rs201130164, gnomAD 0.2%). This variant has not been reported in the literature in individuals affected with TRIM32-related conditions. ClinVar contains an entry for this variant (Variation ID: 1502378). An algorithm developed to predict the effect of missense changes on protein structure and function (PolyPhen-2) suggests that this variant is likely to be disruptive. In summary, the available evidence is currently insufficient to determine the role of this variant in disease. Therefore, it has been classified as a Variant of Uncertain Significance.

Revvity Omics, Revvity
Classification: Uncertain significance. Last evaluated: 2024-06-10. Review status: criteria provided, single submitter. Criteria: ACMG Guidelines, 2015. Collection method: clinical testing. Allele origin: germline.

NM_012210.4(TRIM32):c.313C>T (p.Arg105Trp)

Genes: ASTN2 (astrotactin 2; minus strand), TRIM32 (tripartite motif containing 32; plus strand). Cytogenetic location: 9q33.1.
Variant type: single nucleotide variant.
Coding change: c.313C>T on transcript NM_012210.4 (MANE Select); coding-DNA position 313, C replaced by T.
Protein change: p.Arg105Trp; replaces arginine 105 with tryptophan.
Molecular consequence: missense variant. On other transcripts: intron variant (3).
Genome position (GRCh38, 1-based): chr9:116,698,055, C>T. VCF-style: chr9-116698055-C-T. GRCh37 (hg19) VCF-style: chr9-119460334-C-T.
Other names: c.313C>T, p.Arg105Trp (NM_001099679.2, NM_001379048.1, NM_001379049.1 and 1 more transcripts); c.2653+27716G>A (NM_014010.5); c.2794+27716G>A (NM_001365069.1); c.2806+27716G>A (NM_001365068.1); short protein forms R105W.
Identifiers: ClinVar variation 1502378 (VCV001502378.9), dbSNP rs201130164, ClinGen allele CA5210942.